The following is an entry in ClinVar:

ClinVar aggregate classification (germline): Uncertain significance (1 of 4 stars; one submission).

Conditions:
CHARGE syndrome (CHARGE). Also called: Hittner Hirsch Kreh syndrome; Coloboma, heart anomaly, choanal atresia, retardation, genital and ear anomalies; CHARGE association; Hall-Hittner syndrome; CHARGE ASSOCIATION--COLOBOMA, HEART ANOMALY, CHOANAL ATRESIA, RETARDATION, GENITAL AND EAR ANOMALIES. Identifiers: Orphanet 138, MedGen C0265354, MONDO:0008965.

Submission:

Labcorp Genetics (formerly Invitae), Labcorp
Classification: Uncertain significance for CHARGE syndrome. Last evaluated: 2017-12-10. Review status: criteria provided, single submitter. Criteria: Invitae Variant Classification Sherloc (09022015). Collection method: clinical testing. Allele origin: germline.
Comment: In summary, the available evidence is currently insufficient to determine the role of this variant in disease. Therefore, it has been classified as a Variant of Uncertain Significance. Algorithms developed to predict the effect of missense changes on protein structure and function do not agree on the potential impact of this missense change (SIFT: "Deleterious"; PolyPhen-2: "Probably Damaging"; Align-GVGD: "Class C0"). This variant has not been reported in the literature in individuals with SEMA3E-related disease. This variant is not present in population databases (ExAC no frequency). This sequence change replaces aspartic acid with glycine at codon 238 of the SEMA3E protein (p.Asp238Gly). The aspartic acid residue is highly conserved and there is a moderate physicochemical difference between aspartic acid and glycine.

NM_012431.3(SEMA3E):c.713A>G (p.Asp238Gly)

Gene: SEMA3E (semaphorin 3E; minus strand). Cytogenetic location: 7q21.11.
Variant type: single nucleotide variant.
Coding change: c.713A>G on transcript NM_012431.3 (MANE Select); coding-DNA position 713, A replaced by G.
Protein change: p.Asp238Gly; replaces aspartic acid 238 with glycine.
Molecular consequence: missense variant.
Genome position (GRCh38, 1-based): chr7:83,407,197, T>C on the plus strand (A>G on the coding strand, the complement: SEMA3E is on the minus strand). VCF-style: chr7-83407197-T-C. GRCh37 (hg19) VCF-style: chr7-83036513-T-C.
Other names: c.533A>G, p.Asp178Gly (NM_001178129.2); short protein forms D238G, D178G.
Identifiers: ClinVar variation 529114 (VCV000529114.8), dbSNP rs1554320716, ClinGen allele CA367930370.